The following is an entry in ClinVar:

ClinVar aggregate classification (germline): Conflicting classifications of pathogenicity. Review status: criteria provided, conflicting classifications (1 of 4 stars). 3 submissions from 3 submitters: Uncertain significance (1); Likely benign (2). Last evaluated 2026-02-01.

Conditions:
PDE6B-related disorder. Also called: PDE6B-related disease; PDE6B-related condition; PDE6B-related disorders.

Allele frequency attached by ClinVar (database versions not stated): 1000 Genomes Project 0.00040; 1000 Genomes Project 30x 0.00047; gnomAD 0.00048 and 0.00051; TOPMed 0.00054; ESP Exome Variant Server 0.00062.
gnomAD v4.1: 127 of 1,593,762 alleles (0.008%); highest among the groups gnomAD compares: African/African-American, 0.15%; 1 homozygote.

Submissions (3):

Labcorp Genetics (formerly Invitae), Labcorp
Classification: Likely benign. Last evaluated: 2026-02-01. Review status: criteria provided, single submitter. Criteria: Invitae Variant Classification Sherloc (09022015). Collection method: clinical testing. Allele origin: germline.

PreventionGenetics, part of Exact Sciences
Classification: Likely benign for PDE6B-related condition. Last evaluated: 2024-12-17. Review status: criteria provided, single submitter. Criteria: ACMG Guidelines, 2015. Collection method: clinical testing. Allele origin: germline.
Comment: This variant is classified as likely benign based on ACMG/AMP sequence variant interpretation guidelines (Richards et al. 2015 PMID: 25741868, with internal and published modifications).

Blueprint Genetics
Classification: Uncertain significance. Last evaluated: 2022-10-31. Review status: criteria provided, single submitter. Criteria: ACMG Guidelines, 2015. Collection method: clinical testing. Allele origin: germline.

NM_000283.4(PDE6B):c.706G>A (p.Gly236Ser)

Gene: PDE6B (phosphodiesterase 6B; plus strand). Cytogenetic location: 4p16.3.
Variant type: single nucleotide variant.
Coding change: c.706G>A on transcript NM_000283.4 (MANE Select); coding-DNA position 706, G replaced by A.
Protein change: p.Gly236Ser; replaces glycine 236 with serine.
Molecular consequence: missense variant.
Genome position (GRCh38, 1-based): chr4:635,964, G>A. VCF-style: chr4-635964-G-A. GRCh37 (hg19) VCF-style: chr4-629753-G-A.
Other names: c.706G>A, p.Gly236Ser (NM_001145291.2); short protein forms G236S.
Identifiers: ClinVar variation 850862 (VCV000850862.10), dbSNP rs75543439, ClinGen allele CA2794064.